The following is an entry in ClinVar:

NM_201548.5(CERKL):c.1272A>C (p.Leu424Phe)

Gene: CERKL (CERK like autophagy regulator; minus strand). Cytogenetic location: 2q31.3.
Variant type: single nucleotide variant.
Coding change: c.1272A>C on transcript NM_201548.5 (MANE Select); coding-DNA position 1272, A replaced by C.
Protein change: p.Leu424Phe; replaces leucine 424 with phenylalanine.
Molecular consequence: missense variant. On other transcripts: non-coding transcript variant (2).
Genome position (GRCh38, 1-based): chr2:181,544,793, T>G on the plus strand (A>C on the coding strand, the complement: CERKL is on the minus strand). VCF-style: chr2-181544793-T-G. GRCh37 (hg19) VCF-style: chr2-182409520-T-G.
Other names: c.1350A>C, p.Leu450Phe (NM_001030311.3); c.933A>C, p.Leu311Phe (NM_001030312.3); c.1065A>C, p.Leu355Phe (NM_001030313.3); c.*554A>C (NM_001030314.1, NM_001030315.1); c.1218A>C, p.Leu406Phe (NM_001160277.2); short protein forms L311F, L424F, L355F, L406F, L450F.
Identifiers: ClinVar variation 1972898 (VCV001972898.2), dbSNP rs1466932271, ClinGen allele CA349734556.

ClinVar aggregate classification (germline): Uncertain significance (1 of 4 stars; one submission).

Allele frequency attached by ClinVar (database versions not stated): gnomAD exomes below 0.00001; TOPMed below 0.00001.
gnomAD v4.1: 1 of 1,580,730 alleles (0.000063%); highest among the groups gnomAD compares: Non-Finnish European, 0.000087%; no homozygotes.

Submission:

Labcorp Genetics (formerly Invitae), Labcorp
Classification: Uncertain significance. Last evaluated: 2022-05-29. Review status: criteria provided, single submitter. Criteria: Invitae Variant Classification Sherloc (09022015). Collection method: clinical testing. Allele origin: germline.
Comment: This sequence change replaces leucine, which is neutral and non-polar, with phenylalanine, which is neutral and non-polar, at codon 450 of the CERKL protein (p.Leu450Phe). This variant is not present in population databases (gnomAD no frequency). This variant has not been reported in the literature in individuals affected with CERKL-related conditions. Algorithms developed to predict the effect of missense changes on protein structure and function are either unavailable or do not agree on the potential impact of this missense change (SIFT: "Deleterious"; PolyPhen-2: "Probably Damaging"; Align-GVGD: "Class C0"). In summary, the available evidence is currently insufficient to determine the role of this variant in disease. Therefore, it has been classified as a Variant of Uncertain Significance.